The following is an entry in ClinVar:

ClinVar aggregate classification (germline): Benign (1 of 4 stars; one submission).

Allele frequency attached by ClinVar (database versions not stated): 1000 Genomes Project 0.01642; gnomAD 0.01697 and 0.01837; TOPMed 0.01763; 1000 Genomes Project 30x 0.01873.
gnomAD v4.1: 1,894 of 111,999 alleles (1.7%); highest among the groups gnomAD compares: African/African-American, 5.5%; 36 homozygotes.

Submission:

GeneDx
Classification: Benign. Last evaluated: 2018-06-19. Review status: criteria provided, single submitter. Criteria: GeneDx Variant Classification (06012015). Collection method: clinical testing. Allele origin: germline. Affected: yes.
Comment: This variant is considered likely benign or benign based on one or more of the following criteria: it is a conservative change, it occurs at a poorly conserved position in the protein, it is predicted to be benign by multiple in silico algorithms, and/or has population frequency not consistent with disease.

NM_004006.3(DMD):c.11014+282A>G

Gene: DMD (dystrophin; minus strand). Cytogenetic location: Xp21.2.
Variant type: single nucleotide variant.
Coding change: c.11014+282A>G on transcript NM_004006.3 (MANE Select); 282 bases into the intron after coding-DNA position 11014, A replaced by G.
Molecular consequence: intron variant.
Genome position (GRCh38, 1-based): chrX:31,133,820, T>C on the plus strand (A>G on the coding strand, the complement: DMD is on the minus strand). VCF-style: chrX-31133820-T-C. GRCh37 (hg19) VCF-style: chrX-31151937-T-C.
Other names: c.10990+282A>G (NM_000109.4); c.6991+282A>G (NM_004011.4); c.6982+282A>G (NM_004012.4); c.3304+282A>G (NM_004023.3, NM_004020.4); c.3595+282A>G (NM_004022.3); c.3634+282A>G (NM_004021.3, NM_004013.3); c.2827+282A>G (NM_004014.3); c.1771+282A>G (NM_004018.3, NM_004017.3); and 3 more.
Identifiers: ClinVar variation 674094 (VCV000674094.1), dbSNP rs57414527, ClinGen allele CA328401735.